The following is an entry in ClinVar:

NM_002303.6(LEPR):c.1796C>T (p.Pro599Leu)

Gene: LEPR (leptin receptor; plus strand). Cytogenetic location: 1p31.3.
Variant type: single nucleotide variant.
Coding change: c.1796C>T on transcript NM_002303.6 (MANE Select); coding-DNA position 1796, C replaced by T.
Protein change: p.Pro599Leu; replaces proline 599 with leucine.
Molecular consequence: missense variant.
Genome position (GRCh38, 1-based): chr1:65,609,990, C>T. VCF-style: chr1-65609990-C-T. GRCh37 (hg19) VCF-style: chr1-66075673-C-T.
Other names: c.1796C>T, p.Pro599Leu (NM_001003679.3, NM_001003680.3, NM_001198687.2 and 2 more transcripts); short protein forms P599L.
Identifiers: ClinVar variation 4981989 (VCV004981989.1).

ClinVar aggregate classification (germline): Uncertain significance (1 of 4 stars; one submission).

Conditions:
LEPR-related disorder. Also called: LEPR-related disorders; LEPR-related condition.

gnomAD v4.1: 87 of 1,614,176 alleles (0.0054%); highest among the groups gnomAD compares: Non-Finnish European, 0.0069%; 1 homozygote.

Submission:

PreventionGenetics, part of Exact Sciences
Classification: Uncertain significance for LEPR-related condition. Last evaluated: 2026-09-10. Review status: criteria provided, single submitter. Criteria: ACMG Guidelines, 2015. Collection method: clinical testing. Allele origin: germline.
Comment: The LEPR c.1796C>T variant is predicted to result in the amino acid substitution p.Pro599Leu. This variant was observed in a cohort of individuals with obesity, and in vitro functional studies showed inconclusive evidence of loss of function (Supplemental Data Set, Shah et al. 2023. PubMed ID: 36864747). This variant is reported in 0.0087% of alleles in individuals of Latino descent in gnomAD. At this time, the clinical significance of this variant is uncertain due to the absence of conclusive functional and genetic evidence.